The following is an entry in ClinVar:

NM_001286445.3(RIPOR2):c.2191T>C (p.Cys731Arg)

Gene: RIPOR2 (RHO family interacting cell polarization regulator 2; minus strand). Cytogenetic location: 6p22.3.
Variant type: single nucleotide variant.
Coding change: c.2191T>C on transcript NM_001286445.3 (MANE Select); coding-DNA position 2191, T replaced by C.
Protein change: p.Cys731Arg; replaces cysteine 731 with arginine.
Molecular consequence: missense variant.
Genome position (GRCh38, 1-based): chr6:24,835,720, A>G on the plus strand (T>C on the coding strand, the complement: RIPOR2 is on the minus strand). VCF-style: chr6-24835720-A-G. GRCh37 (hg19) VCF-style: chr6-24835948-A-G.
Other names: c.2104T>C, p.Cys702Arg (NM_001346031.2, NM_001346032.2); c.2254T>C, p.Cys752Arg (NM_014722.5); short protein forms C702R, C731R, C752R.
Identifiers: ClinVar variation 1680493 (VCV001680493.8), dbSNP rs2113697611, ClinGen allele CA362992312.
Genomic context (GRCh38, chr6:24,835,720, plus strand): 5'-AAATCACCTGGCATCTCAAACACAAATTCATCGCTGATCCTACCTGCACGAGTTGGGTGC[A>G]GTACTGGAGGTGCCTGACGATGGTGATGTCCAGGCTCTCGTTGCCTGTGGTCAGTGGGAG-3'
Protein context (NP_001273374.1, residues 721-741): DITIVRHLQY[Cys731Arg]TQLVQQIVFS

ClinVar aggregate classification (germline): Uncertain significance (1 of 4 stars; one submission).

Submission:

Labcorp Genetics (formerly Invitae), Labcorp
Classification: Uncertain significance. Last evaluated: 2020-12-11. Review status: criteria provided, single submitter. Criteria: Invitae Variant Classification Sherloc (09022015). Collection method: clinical testing. Allele origin: germline.
Comment: This variant has not been reported in the literature in individuals with FAM65B-related conditions. In summary, the available evidence is currently insufficient to determine the role of this variant in disease. Therefore, it has been classified as a Variant of Uncertain Significance. Algorithms developed to predict the effect of missense changes on protein structure and function are either unavailable or do not agree on the potential impact of this missense change (SIFT: "Deleterious"; PolyPhen-2: "Possibly Damaging"; Align-GVGD: "Class C15"). This variant is not present in population databases (ExAC no frequency). This sequence change replaces cysteine with arginine at codon 752 of the FAM65B protein (p.Cys752Arg). The cysteine residue is highly conserved and there is a large physicochemical difference between cysteine and arginine.